The following is an entry in ClinVar:

ClinVar aggregate classification (germline): Uncertain significance. Review status: criteria provided, multiple submitters, no conflicts (2 of 4 stars). 2 submissions from 2 submitters: Uncertain significance (2). Last evaluated 2026-01-18.

Conditions:
Hereditary cancer-predisposing syndrome. Also called: Hereditary Cancer Syndrome; Tumor predisposition; Neoplastic Syndromes, Hereditary; Hereditary neoplastic syndrome. Identifiers: Orphanet 140162, MedGen C0027672, MeSH D009386, MONDO:0015356.
EGFR-related lung cancer (EGFR). Identifiers: MedGen CN130014.

Allele frequency attached by ClinVar (database versions not stated): gnomAD exomes below 0.00001.
gnomAD v4.1: 5 of 1,614,160 alleles (0.00031%); highest among the groups gnomAD compares: Non-Finnish European, 0.00034%; no homozygotes.

Submissions (2):

Labcorp Genetics (formerly Invitae), Labcorp
Classification: Uncertain significance for EGFR-related lung cancer. Last evaluated: 2026-01-18. Review status: criteria provided, single submitter. Criteria: Invitae Variant Classification Sherloc (09022015). Collection method: clinical testing. Allele origin: germline.
Comment: This sequence change replaces alanine, which is neutral and non-polar, with serine, which is neutral and polar, at codon 767 of the EGFR protein (p.Ala767Ser). This variant is not present in population databases (gnomAD no frequency). This variant has not been reported in the literature in individuals affected with EGFR-related conditions. ClinVar contains an entry for this variant (Variation ID: 1012132). Invitae Evidence Modeling of protein sequence and biophysical properties (such as structural, functional, and spatial information, amino acid conservation, physicochemical variation, residue mobility, and thermodynamic stability) has been performed for this missense variant. However, the output from this modeling did not meet the statistical confidence thresholds required to predict the impact of this variant on EGFR protein function. In summary, the available evidence is currently insufficient to determine the role of this variant in disease. Therefore, it has been classified as a Variant of Uncertain Significance.

Ambry Genetics
Classification: Uncertain significance for Hereditary cancer-predisposing syndrome. Last evaluated: 2024-12-31. Review status: criteria provided, single submitter. Criteria: Ambry Variant Classification Scheme 2023. Collection method: clinical testing. Allele origin: germline.
Comment: The p.A767S variant (also known as c.2299G>T), located in coding exon 20 of the EGFR gene, results from a G to T substitution at nucleotide position 2299. The alanine at codon 767 is replaced by serine, an amino acid with similar properties. This amino acid position is highly conserved in available vertebrate species. In addition, the in silico prediction for this alteration is inconclusive. Based on the available evidence, the clinical significance of this variant remains unclear.

NM_005228.5(EGFR):c.2299G>T (p.Ala767Ser)

Genes: EGFR (epidermal growth factor receptor; plus strand), EGFR-AS1 (EGFR antisense RNA 1; minus strand). Cytogenetic location: 7p11.2.
Variant type: single nucleotide variant.
Coding change: c.2299G>T on transcript NM_005228.5 (MANE Select); coding-DNA position 2299, G replaced by T.
Protein change: p.Ala767Ser; replaces alanine 767 with serine.
Molecular consequence: missense variant. On other transcripts: non-coding transcript variant (1).
Genome position (GRCh38, 1-based): chr7:55,181,308, G>T. VCF-style: chr7-55181308-G-T. GRCh37 (hg19) VCF-style: chr7-55249001-G-T.
Other names: c.2164G>T, p.Ala722Ser (NM_001346897.2, NM_001346899.2); c.2299G>T, p.Ala767Ser (NM_001346898.2); c.2140G>T, p.Ala714Ser (NM_001346900.2); c.1498G>T, p.Ala500Ser (NM_001346941.2); c.2299G>T (NM_005228.3); short protein forms A500S, A714S, A722S, A767S.
Identifiers: ClinVar variation 1012132 (VCV001012132.7), dbSNP rs759418157, ClinGen allele CA158928267.